The following is an entry in ClinVar:

ClinVar aggregate classification (germline): Likely benign (1 of 4 stars; one submission).

gnomAD v4.1: 6,952 of 566,328 alleles (1.2%); highest among the groups gnomAD compares: Middle Eastern, 2.6%; 67 homozygotes.

Submission:

GeneDx
Classification: Likely benign. Last evaluated: 2018-09-04. Review status: criteria provided, single submitter. Criteria: GeneDx Variant Classification Process June 2021. Collection method: clinical testing. Allele origin: germline. Affected: yes.
Comment: See Variant Classification Assertion Criteria.

NM_001015880.2(PAPSS2):c.*148T>A

Gene: PAPSS2 (3'-phosphoadenosine 5'-phosphosulfate synthase 2; plus strand). Cytogenetic location: 10q23.31.
Variant type: single nucleotide variant.
Coding change: c.*148T>A on transcript NM_001015880.2 (MANE Select); 148 bases downstream of the stop codon, T replaced by A.
Molecular consequence: 3 prime UTR variant.
Genome position (GRCh38, 1-based): chr10:87,746,118, T>A. VCF-style: chr10-87746118-T-A. GRCh37 (hg19) VCF-style: chr10-89505875-T-A.
Other names: c.*148T>A (NM_004670.4).
Identifiers: ClinVar variation 4813925 (VCV004813925.1).
Genomic context (GRCh38, chr10:87,746,118, plus strand): 5'-CAATGATGCATTTTAATCTTTTATAATGAAGTAAAAGTTGTGTCTATAATTAAAAAAAAA[T>A]ATATATATATACACACACACATATACATACAAAGTCAAACTGAAGACCAAATCTTAGCAG-3'